The following is an entry in ClinVar:

ClinVar aggregate classification (germline): Likely benign (1 of 4 stars; one submission).

Allele frequency attached by ClinVar (database versions not stated): gnomAD exomes 0.00047; gnomAD 0.00383 and 0.00410; TOPMed 0.00436; 1000 Genomes Project 0.00499; 1000 Genomes Project 30x 0.00515.
gnomAD v4.1: 818 of 643,142 alleles (0.13%); highest among the groups gnomAD compares: African/African-American, 1.3%; no homozygotes.

Submission:

GeneDx
Classification: Likely benign. Last evaluated: 2021-10-19. Review status: criteria provided, single submitter. Criteria: GeneDx Variant Classification Process June 2021. Collection method: clinical testing. Allele origin: germline. Affected: yes.
Comment: See Variant Classification Assertion Criteria.

NM_020964.3(EPG5):c.4205+134T>C

Gene: EPG5 (ectopic P-granules 5 autophagy tethering factor; minus strand). Cytogenetic location: 18q21.1.
Variant type: single nucleotide variant.
Coding change: c.4205+134T>C on transcript NM_020964.3 (MANE Select); 134 bases into the intron after coding-DNA position 4205, T replaced by C.
Molecular consequence: intron variant.
Genome position (GRCh38, 1-based): chr18:45,910,387, A>G on the plus strand (T>C on the coding strand, the complement: EPG5 is on the minus strand). VCF-style: chr18-45910387-A-G. GRCh37 (hg19) VCF-style: chr18-43490352-A-G.
Identifiers: ClinVar variation 1678702 (VCV001678702.2), dbSNP rs76515809, ClinGen allele CA299760153.
Genomic context (GRCh38, chr18:45,910,387, plus strand): 5'-ACTGTTGATTCAGTTCTCTTGAGGAACATAAAAGAGAAACATTTCAAGATGCAAATCTAT[A>G]TCAAAGCCACCTTCCATATTCAATCTAACCGTGTTAAGAGAATAACATCTAGCAGTTTGT-3'